The following is an entry in ClinVar:

ClinVar aggregate classification (germline): Uncertain significance. Review status: reviewed by expert panel (3 of 4 stars). 5 submissions from 5 submitters: Uncertain significance (1). 4 of the submissions do not count toward it. Last evaluated 2025-05-02.

Conditions:
Inborn genetic diseases. Identifiers: MedGen C0950123, MeSH D030342.
Hereditary thrombocytopenia and hematological cancer predisposition syndrome associated with RUNX1. Also called: Familial thrombocytopenia with propensity to acute myelogenous leukemia; PLATELET DISORDER, ASPIRIN-LIKE; RUNX1 Familial Platelet Disorder with Associated Myeloid Malignancies; Familial Platelet Disorder with Propensity to Acute Myelogenous Leukemia. Identifiers: Orphanet 71290, MedGen C1832388, MeSH C563324, MONDO:0100083, OMIM 601399.
Hereditary thrombocytopenia and hematologic cancer predisposition syndrome. Identifiers: Orphanet 71290, MedGen CN281654, MONDO:0011071.

Allele frequency attached by ClinVar (database versions not stated): TOPMed 0.00002.
gnomAD v4.1: 5 of 1,530,350 alleles (0.00033%); highest among the groups gnomAD compares: Non-Finnish European, 0.00044%; no homozygotes.

Submissions (5):

ClinGen Myeloid Malignancy Variant Curation Expert Panel
Classification: Uncertain significance for Hereditary thrombocytopenia and hematologic cancer predisposition syndrome. Last evaluated: 2025-05-02. Review status: reviewed by expert panel. Criteria: ClinGen MyeloMalig ACMG Specifications v2. Collection method: curation. Allele origin: germline. Inheritance: Autosomal dominant inheritance.
Comment: NM_001754.5(RUNX1):c.1396A>G (p.Met466Val) is a missense variant which has a REVEL score ≤0.50 (0.203) and SpliceAI is ≤0.20 (0.00) (BP4). In summary, the clinical significance of this variant is uncertain. ACMG/AMP criteria applied, as specified by the Myeloid Malignancy Variant Curation Expert Panel for RUNX1: BP4.

Ambry Genetics
Classification: Likely benign for Inborn genetic diseases. Last evaluated: 2025-05-20. Review status: criteria provided, single submitter. Criteria: Ambry Variant Classification Scheme 2023. Collection method: clinical testing. Allele origin: germline. Not counted in ClinVar's aggregate classification.

Labcorp Genetics (formerly Invitae), Labcorp
Classification: Uncertain significance for Hereditary thrombocytopenia and hematological cancer predisposition syndrome associated with RUNX1. Last evaluated: 2024-09-19. Review status: criteria provided, single submitter. Criteria: Invitae Variant Classification Sherloc (09022015). Collection method: clinical testing. Allele origin: germline. Not counted in ClinVar's aggregate classification.
Comment: This sequence change replaces methionine, which is neutral and non-polar, with valine, which is neutral and non-polar, at codon 466 of the RUNX1 protein (p.Met466Val). The frequency data for this variant in the population databases is considered unreliable, as metrics indicate poor data quality at this position in the gnomAD database. This variant has not been reported in the literature in individuals affected with RUNX1-related conditions. ClinVar contains an entry for this variant (Variation ID: 1002421). Invitae Evidence Modeling of protein sequence and biophysical properties (such as structural, functional, and spatial information, amino acid conservation, physicochemical variation, residue mobility, and thermodynamic stability) indicates that this missense variant is not expected to disrupt RUNX1 protein function with a negative predictive value of 80%. In summary, the available evidence is currently insufficient to determine the role of this variant in disease. Therefore, it has been classified as a Variant of Uncertain Significance.

GeneDx
Classification: Uncertain significance. Last evaluated: 2022-07-11. Review status: criteria provided, single submitter. Criteria: GeneDx Variant Classification Process June 2021. Collection method: clinical testing. Allele origin: germline. Affected: yes. Not counted in ClinVar's aggregate classification.
Comment: Not observed at significant frequency in large population cohorts (gnomAD); In silico analysis supports that this missense variant does not alter protein structure/function; Has not been previously published as pathogenic or benign to our knowledge; This variant is associated with the following publications: (PMID: 28945609)

Genetic Services Laboratory, University of Chicago
Classification: Uncertain significance. Last evaluated: 2021-02-16. Review status: criteria provided, single submitter. Criteria: ACMG Guidelines, 2015. Collection method: clinical testing. Allele origin: germline. Affected: no. Not counted in ClinVar's aggregate classification.
Comment: This sequence change does not appear to have been previously described in patients with RUNX1-related disorders and been described in the gnomAD database with a low population frequency of 0.0015% (dbSNP rs762213305). The p.Met466Val change affects a moderately conserved amino acid residue located in a domain of the RUNX1 protein that is known to be functional. In-silico pathogenicity prediction tools (SIFT, PolyPhen2, Align GVGD, REVEL) provide contradictory results for the p.Met466Val substitution. Due to these contrasting evidences and the lack of functional studies, the clinical significance of the p.Met466Val change remains unknown at this time.

NM_001754.5(RUNX1):c.1396A>G (p.Met466Val)

Gene: RUNX1 (RUNX family transcription factor 1; minus strand). Cytogenetic location: 21q22.12.
Variant type: single nucleotide variant.
Coding change: c.1396A>G on transcript NM_001754.5 (MANE Select); coding-DNA position 1396, A replaced by G.
Protein change: p.Met466Val; replaces methionine 466 with valine.
Molecular consequence: missense variant.
Genome position (GRCh38, 1-based): chr21:34,792,182, T>C on the plus strand (A>G on the coding strand, the complement: RUNX1 is on the minus strand). VCF-style: chr21-34792182-T-C. GRCh37 (hg19) VCF-style: chr21-36164479-T-C.
Other names: NM_001754.5(RUNX1):c.1396A>G; p.Met466Val; c.1315A>G, p.Met439Val (NM_001001890.3); short protein forms M439V, M466V.
Identifiers: ClinVar variation 1002421 (VCV001002421.16), dbSNP rs762213305, ClinGen allele CA10014177.
Genomic context (GRCh38, chr21:34,792,182, plus strand): 5'-CAGGCCTGGCGCCTCAGTAGGGCCTCCACACGGCCTCCTCCAGGCGCGCGGAGGGCGCCA[T>C]GTTGGTGGGGGAGTTGCTGTGGCTGCCCTCGGCCTCCACCACGTCGCTCTGGTTCGGGAG-3'
Protein context (NP_001745.2, residues 456-476): EGSHSNSPTN[Met466Val]APSARLEEAV